The following is an entry in ClinVar:

NM_005883.3(APC2):c.1638+1G>C

Gene: APC2 (APC regulator of Wnt signaling pathway 2; plus strand). Cytogenetic location: 19p13.3.
Variant type: single nucleotide variant.
Coding change: c.1638+1G>C on transcript NM_005883.3 (MANE Select); the canonical splice donor site of the intron after coding-DNA position 1638, G replaced by C.
Molecular consequence: splice donor variant.
Genome position (GRCh38, 1-based): chr19:1,461,154, G>C. VCF-style: chr19-1461154-G-C. GRCh37 (hg19) VCF-style: chr19-1461153-G-C.
Other names: c.1635+1G>C (NM_001351273.1).
Identifiers: ClinVar variation 3057693 (VCV003057693.2), dbSNP rs2512495372, ClinGen allele CA403020242.

ClinVar aggregate classification (germline): Likely pathogenic (0 of 4 stars; one submission).

Conditions:
APC2-related disorder. Also called: APC2-related condition; APC2-Related Disorders.

Submission:

PreventionGenetics, part of Exact Sciences
Classification: Likely pathogenic for APC2-related condition. Last evaluated: 2024-01-05. Review status: no assertion criteria provided. Collection method: clinical testing. Allele origin: germline.
Comment: The APC2 c.1638+1G>C variant is predicted to disrupt the GT donor site and interfere with normal splicing. To our knowledge, this variant has not been reported in the literature or in a large population database, indicating this variant is rare. Variants that disrupt the consensus splice donor site in APC2 are expected to be pathogenic. This variant is interpreted as likely pathogenic.